The following is an entry in ClinVar:

NM_001025295.3(IFITM5):c.338G>C (p.Arg113Pro)

Gene: IFITM5 (interferon induced transmembrane protein 5; minus strand). Cytogenetic location: 11p15.5.
Variant type: single nucleotide variant.
Coding change: c.338G>C on transcript NM_001025295.3 (MANE Select); coding-DNA position 338, G replaced by C.
Protein change: p.Arg113Pro; replaces arginine 113 with proline.
Molecular consequence: missense variant.
Genome position (GRCh38, 1-based): chr11:298,562, C>G on the plus strand (G>C on the coding strand, the complement: IFITM5 is on the minus strand). VCF-style: chr11-298562-C-G. GRCh37 (hg19) VCF-style: chr11-298562-C-G.
Other names: short protein forms R113P.
Identifiers: ClinVar variation 2984362 (VCV002984362.3), dbSNP rs112478479, ClinGen allele CA5773381.

ClinVar aggregate classification (germline): Uncertain significance (1 of 4 stars; one submission).

gnomAD v4.1: 11 of 1,613,162 alleles (0.00068%); highest among the groups gnomAD compares: African/African-American, 0.015%; no homozygotes.

Submission:

Labcorp Genetics (formerly Invitae), Labcorp
Classification: Uncertain significance. Last evaluated: 2022-11-12. Review status: criteria provided, single submitter. Criteria: Invitae Variant Classification Sherloc (09022015). Collection method: clinical testing. Allele origin: germline.
Comment: This sequence change replaces arginine, which is basic and polar, with proline, which is neutral and non-polar, at codon 113 of the IFITM5 protein (p.Arg113Pro). This variant is present in population databases (rs112478479, gnomAD 0.007%). This variant has not been reported in the literature in individuals affected with IFITM5-related conditions. Algorithms developed to predict the effect of missense changes on protein structure and function are either unavailable or do not agree on the potential impact of this missense change (SIFT: "Deleterious"; PolyPhen-2: "Possibly Damaging"; Align-GVGD: "Class C0"). In summary, the available evidence is currently insufficient to determine the role of this variant in disease. Therefore, it has been classified as a Variant of Uncertain Significance.